The following is an entry in ClinVar:

NM_001129.5(AEBP1):c.1240C>T (p.Arg414Cys)

Gene: AEBP1 (AE binding protein 1; plus strand). Cytogenetic location: 7p13.
Variant type: single nucleotide variant.
Coding change: c.1240C>T on transcript NM_001129.5 (MANE Select); coding-DNA position 1240, C replaced by T.
Protein change: p.Arg414Cys; replaces arginine 414 with cysteine.
Molecular consequence: missense variant.
Genome position (GRCh38, 1-based): chr7:44,110,104, C>T. VCF-style: chr7-44110104-C-T. GRCh37 (hg19) VCF-style: chr7-44149703-C-T.
Other names: short protein forms R414C.
Identifiers: ClinVar variation 2179364 (VCV002179364.1), dbSNP rs137891711, ClinGen allele CA4237816.

ClinVar aggregate classification (germline): Uncertain significance (1 of 4 stars; one submission).

Allele frequency attached by ClinVar (database versions not stated): ExAC 0.00001; gnomAD exomes 0.00002; TOPMed 0.00003; gnomAD 0.00005; ESP Exome Variant Server 0.00008.
gnomAD v4.1: 36 of 1,612,998 alleles (0.0022%); highest among the groups gnomAD compares: African/African-American, 0.0053%; no homozygotes.

Submission:

Labcorp Genetics (formerly Invitae), Labcorp
Classification: Uncertain significance. Last evaluated: 2022-05-17. Review status: criteria provided, single submitter. Criteria: Invitae Variant Classification Sherloc (09022015). Collection method: clinical testing. Allele origin: germline.
Comment: This sequence change replaces arginine, which is basic and polar, with cysteine, which is neutral and slightly polar, at codon 414 of the AEBP1 protein (p.Arg414Cys). This variant is present in population databases (rs137891711, gnomAD 0.008%). This variant has not been reported in the literature in individuals affected with AEBP1-related conditions. Algorithms developed to predict the effect of missense changes on protein structure and function are either unavailable or do not agree on the potential impact of this missense change (SIFT: "Deleterious"; PolyPhen-2: "Probably Damaging"; Align-GVGD: "Class C0"). In summary, the available evidence is currently insufficient to determine the role of this variant in disease. Therefore, it has been classified as a Variant of Uncertain Significance.